The following is an entry in ClinVar:

ClinVar aggregate classification (germline): Uncertain significance (1 of 4 stars; one submission).

Conditions:
Hereditary breast ovarian cancer syndrome. Also called: Hereditary breast and ovarian cancer syndrome; Hereditary breast and ovarian cancer syndrome (HBOC); Breast and ovarian cancer; Hereditary breast and/or ovarian cancer syndrome; Hereditary breast and ovarian cancer; BRCA1- and BRCA2-Associated Hereditary Breast and Ovarian Cancer. Identifiers: Orphanet 145, MedGen C0677776, MeSH D061325, MONDO:0003582. Disease mechanism: loss of function.

Submission:

Labcorp Genetics (formerly Invitae), Labcorp
Classification: Uncertain significance for Hereditary breast ovarian cancer syndrome. Last evaluated: 2022-10-07. Review status: criteria provided, single submitter. Criteria: Invitae Variant Classification Sherloc (09022015). Collection method: clinical testing. Allele origin: germline.
Comment: In summary, the available evidence is currently insufficient to determine the role of this variant in disease. Therefore, it has been classified as a Variant of Uncertain Significance. Advanced modeling of protein sequence and biophysical properties (such as structural, functional, and spatial information, amino acid conservation, physicochemical variation, residue mobility, and thermodynamic stability) performed at Invitae indicates that this missense variant is not expected to disrupt BRCA2 protein function. This variant has not been reported in the literature in individuals affected with BRCA2-related conditions. This variant is not present in population databases (gnomAD no frequency). This sequence change replaces alanine, which is neutral and non-polar, with proline, which is neutral and non-polar, at codon 2467 of the BRCA2 protein (p.Ala2467Pro).

NM_000059.4(BRCA2):c.7399G>C (p.Ala2467Pro)

Gene: BRCA2 (BRCA2 DNA repair associated; plus strand). Cytogenetic location: 13q13.1.
Variant type: single nucleotide variant.
Coding change: c.7399G>C on transcript NM_000059.4 (MANE Select); coding-DNA position 7399, G replaced by C.
Protein change: p.Ala2467Pro; replaces alanine 2467 with proline.
Molecular consequence: missense variant.
Genome position (GRCh38, 1-based): chr13:32,355,252, G>C. VCF-style: chr13-32355252-G-C. GRCh37 (hg19) VCF-style: chr13-32929389-G-C.
Other names: c.7303G>C, p.Ala2435Pro (NM_001406719.1); c.7399G>C, p.Ala2467Pro (NM_001406720.1); c.2467G>C, p.Ala823Pro (NM_001406721.1); c.982G>C, p.Ala328Pro (NM_001406722.1); short protein forms A2435P, A2467P, A328P, A823P.
Identifiers: ClinVar variation 1715278 (VCV001715278.6), dbSNP rs1593918596, ClinGen allele CA387741830.